The following is an entry in ClinVar:

NM_001244008.2(KIF1A):c.1015G>A (p.Asp339Asn)

Gene: KIF1A (kinesin family member 1A; minus strand). Cytogenetic location: 2q37.3.
Variant type: single nucleotide variant.
Coding change: c.1015G>A on transcript NM_001244008.2 (MANE Select); coding-DNA position 1015, G replaced by A.
Protein change: p.Asp339Asn; replaces aspartic acid 339 with asparagine.
Molecular consequence: missense variant.
Genome position (GRCh38, 1-based): chr2:240,774,205, C>T on the plus strand (G>A on the coding strand, the complement: KIF1A is on the minus strand). VCF-style: chr2-240774205-C-T. GRCh37 (hg19) VCF-style: chr2-241713622-C-T.
Other names: c.1015G>A, p.Asp339Asn (NM_001320705.2, NM_001330289.2, NM_001330290.2 and 21 more transcripts); short protein forms D339N.
Identifiers: ClinVar variation 2931300 (VCV002931300.3), dbSNP rs2052419904, ClinGen allele CA351296698.

ClinVar aggregate classification (germline): Uncertain significance (1 of 4 stars; one submission).

Conditions:
Neuropathy, hereditary sensory, type 2C. Also called: Hereditary sensory and autonomic neuropathy type IIC; KIF1A-Related HSAN2 (HSAN2C). Identifiers: Orphanet 970, MedGen C3280168, MONDO:0013634, OMIM 614213.
Hereditary spastic paraplegia 30. Identifiers: Orphanet 101010, MedGen C5235139, MONDO:0012476.
Intellectual disability, autosomal dominant 9 (NESCAVS). Also called: NESCAV SYNDROME; KIF1A-Related Neurodevelopmental Disorder. Identifiers: Orphanet 662367, MedGen C5393830, MONDO:0013656, OMIM 614255.

Allele frequency attached by ClinVar (database versions not stated): gnomAD exomes below 0.00001.
gnomAD v4.1: 1 of 1,607,990 alleles (0.000062%); highest among the groups gnomAD compares: Non-Finnish European, 0.000085%; no homozygotes.

Submission:

Labcorp Genetics (formerly Invitae), Labcorp
Classification: Uncertain significance for Hereditary spastic paraplegia 30; Neuropathy, hereditary sensory, type 2C; Intellectual disability, autosomal dominant 9. Last evaluated: 2024-01-16. Review status: criteria provided, single submitter. Criteria: Invitae Variant Classification Sherloc (09022015). Collection method: clinical testing. Allele origin: germline.
Comment: This sequence change replaces aspartic acid, which is acidic and polar, with asparagine, which is neutral and polar, at codon 339 of the KIF1A protein (p.Asp339Asn). This variant is not present in population databases (gnomAD no frequency). This variant has not been reported in the literature in individuals affected with KIF1A-related conditions. Advanced modeling of protein sequence and biophysical properties (such as structural, functional, and spatial information, amino acid conservation, physicochemical variation, residue mobility, and thermodynamic stability) performed at Invitae indicates that this missense variant is expected to disrupt KIF1A protein function with a positive predictive value of 95%. In summary, the available evidence is currently insufficient to determine the role of this variant in disease. Therefore, it has been classified as a Variant of Uncertain Significance.